The following is an entry in ClinVar:

NM_017654.4(SAMD9):c.835C>G (p.Gln279Glu)

Gene: SAMD9 (sterile alpha motif domain containing 9; minus strand). Cytogenetic location: 7q21.2.
Variant type: single nucleotide variant.
Coding change: c.835C>G on transcript NM_017654.4 (MANE Select); coding-DNA position 835, C replaced by G.
Protein change: p.Gln279Glu; replaces glutamine 279 with glutamic acid.
Molecular consequence: missense variant.
Genome position (GRCh38, 1-based): chr7:93,105,263, G>C on the plus strand (C>G on the coding strand, the complement: SAMD9 is on the minus strand). VCF-style: chr7-93105263-G-C. GRCh37 (hg19) VCF-style: chr7-92734576-G-C.
Other names: c.835C>G, p.Gln279Glu (NM_001193307.2); short protein forms Q279E.
Identifiers: ClinVar variation 3367675 (VCV003367675.1).

ClinVar aggregate classification (germline): Uncertain significance (1 of 4 stars; one submission).

Submission:

GeneDx
Classification: Uncertain significance. Last evaluated: 2024-01-10. Review status: criteria provided, single submitter. Criteria: GeneDx Variant Classification Process June 2021. Collection method: clinical testing. Allele origin: germline. Affected: yes.
Comment: Not observed at significant frequency in large population cohorts (gnomAD); In silico analysis supports that this missense variant does not alter protein structure/function; Has not been previously published as pathogenic or benign to our knowledge; This variant is associated with the following publications: (PMID: 28545555)